The following is an entry in ClinVar:

NM_016188.5(ACTL6B):c.852C>T (p.Tyr284=)

Gene: ACTL6B (actin like 6B; minus strand). Cytogenetic location: 7q22.1.
Variant type: single nucleotide variant.
Coding change: c.852C>T on transcript NM_016188.5 (MANE Select); coding-DNA position 852, C replaced by T.
Protein change: p.Tyr284=; no amino-acid change (tyrosine 284 retained).
Molecular consequence: synonymous variant. On other transcripts: non-coding transcript variant (1).
Genome position (GRCh38, 1-based): chr7:100,647,055, G>A on the plus strand (C>T on the coding strand, the complement: ACTL6B is on the minus strand). VCF-style: chr7-100647055-G-A. GRCh37 (hg19) VCF-style: chr7-100244678-G-A.
Identifiers: ClinVar variation 1695201 (VCV001695201.31), dbSNP rs141640000, ClinGen allele CA4387122.

ClinVar aggregate classification (germline): Likely benign (1 of 4 stars; one submission).

Allele frequency attached by ClinVar (database versions not stated): ExAC 0.01509; gnomAD exomes 0.01849 and 0.01467; 1000 Genomes Project 30x 0.00812; 1000 Genomes Project 0.00859; TOPMed 0.01289; gnomAD 0.01290 and 0.01294; ESP Exome Variant Server 0.01484.
gnomAD v4.1: 28,890 of 1,614,058 alleles (1.8%); highest among the groups gnomAD compares: Non-Finnish European, 2.1%; 304 homozygotes.

Submission:

CeGaT Center for Human Genetics Tuebingen
Classification: Likely benign. Last evaluated: 2023-02-01. Review status: criteria provided, single submitter. Criteria: CeGaT Center For Human Genetics Tuebingen Variant Classification Criteria Version 2. Collection method: clinical testing. Allele origin: germline. Affected: yes. Observed: 28 variant alleles.
Comment: ACTL6B: BP4, BP7